The following is an entry in ClinVar:

ClinVar aggregate classification (germline): Uncertain significance (1 of 4 stars; one submission).

Conditions:
Cardiac arrhythmia. Also called: Cardiac rhythm disease; Arrhythmia. Identifiers: MedGen C0003811, MONDO:0007263, HP:0011675.

Submission:

Color Diagnostics, LLC DBA Color Health
Classification: Uncertain significance for Cardiac arrhythmia. Last evaluated: 2024-09-23. Review status: criteria provided, single submitter. Criteria: ACMG Guidelines, 2015. Collection method: clinical testing. Allele origin: germline.
Comment: This missense variant replaces aspartic acid with histidine at codon 428 of the KCNQ1 protein. Computational prediction is inconclusive regarding the impact of this variant on protein structure and function (internally defined REVEL score threshold 0.5 < inconclusive < 0.7, PMID: 27666373). To our knowledge, functional studies have not been reported for this variant. This variant has not been reported in individuals affected with KCNQ1-related disorders in the literature. This variant has not been identified in the general population by the Genome Aggregation Database (gnomAD). The available evidence is insufficient to determine the role of this variant in disease conclusively. Therefore, this variant is classified as a Variant of Uncertain Significance.

NM_000218.3(KCNQ1):c.1282G>C (p.Asp428His)

Gene: KCNQ1 (potassium voltage-gated channel subfamily Q member 1; plus strand). Cytogenetic location: 11p15.5.
Variant type: single nucleotide variant.
Coding change: c.1282G>C on transcript NM_000218.3 (MANE Select); coding-DNA position 1282, G replaced by C.
Protein change: p.Asp428His; replaces aspartic acid 428 with histidine.
Molecular consequence: missense variant.
Genome position (GRCh38, 1-based): chr11:2,588,743, G>C. VCF-style: chr11-2588743-G-C. GRCh37 (hg19) VCF-style: chr11-2609973-G-C.
Other names: c.1012G>C, p.Asp338His (NM_001406837.1); c.742G>C, p.Asp248His (NM_001406838.1); c.901G>C, p.Asp301His (NM_181798.2); c.1186G>C, p.Asp396His (NM_001406836.1); short protein forms D248H, D301H, D338H, D396H, D428H.
Identifiers: ClinVar variation 3894078 (VCV003894078.1).